The following is an entry in ClinVar:

NM_145200.5(CABP4):c.619G>T (p.Gly207Trp)

Gene: CABP4 (calcium binding protein 4; plus strand). Cytogenetic location: 11q13.2.
Variant type: single nucleotide variant.
Coding change: c.619G>T on transcript NM_145200.5 (MANE Select); coding-DNA position 619, G replaced by T.
Protein change: p.Gly207Trp; replaces glycine 207 with tryptophan.
Molecular consequence: missense variant. On other transcripts: non-coding transcript variant (1).
Genome position (GRCh38, 1-based): chr11:67,457,650, G>T. VCF-style: chr11-67457650-G-T. GRCh37 (hg19) VCF-style: chr11-67225121-G-T.
Other names: c.304G>T, p.Gly102Trp (NM_001300895.3, NM_001300896.3, NM_001379183.1); short protein forms G102W, G207W.
Identifiers: ClinVar variation 1024051 (VCV001024051.8), dbSNP rs200515541, ClinGen allele CA381531678.

ClinVar aggregate classification (germline): Uncertain significance (1 of 4 stars; one submission).

gnomAD v4.1: 1 of 1,602,772 alleles (0.000062%); highest among the groups gnomAD compares: Non-Finnish European, 0.000085%; no homozygotes.

Submission:

Labcorp Genetics (formerly Invitae), Labcorp
Classification: Uncertain significance. Last evaluated: 2020-10-13. Review status: criteria provided, single submitter. Criteria: Invitae Variant Classification Sherloc (09022015). Collection method: clinical testing. Allele origin: germline.
Comment: Advanced modeling of protein sequence and biophysical properties (such as structural, functional, and spatial information, amino acid conservation, physicochemical variation, residue mobility, and thermodynamic stability) performed at Invitae indicates that this missense variant is not expected to disrupt CABP4 protein function. In summary, the available evidence is currently insufficient to determine the role of this variant in disease. Therefore, it has been classified as a Variant of Uncertain Significance. Algorithms developed to predict the effect of sequence changes on RNA splicing suggest that this variant may create or strengthen a splice site, but this prediction has not been confirmed by published transcriptional studies. This variant has not been reported in the literature in individuals with CABP4-related conditions. This variant is not present in population databases (ExAC no frequency). This sequence change replaces glycine with tryptophan at codon 207 of the CABP4 protein (p.Gly207Trp). The glycine residue is highly conserved and there is a large physicochemical difference between glycine and tryptophan.